The following is an entry in ClinVar:

ClinVar aggregate classification (germline): Uncertain significance (1 of 4 stars; one submission).

Conditions:
Combined immunodeficiency due to DOCK8 deficiency (HIES2). Also called: HIES autosomal recessive; DOCK8 Deficiency; Hyper-IgE recurrent infection syndrome, autosomal recessive; HYPER-IgE RECURRENT INFECTION SYNDROME 2, AUTOSOMAL RECESSIVE; HYPER-IgE SYNDROME 2, AUTOSOMAL RECESSIVE, WITH RECURRENT INFECTIONS. Identifiers: Orphanet 217390, MedGen C4722305, MONDO:0009478, OMIM 243700.

gnomAD v4.1: 2 of 1,614,170 alleles (0.00012%); highest among the groups gnomAD compares: Admixed American, 0.0017%; no homozygotes.

Submission:

Labcorp Genetics (formerly Invitae), Labcorp
Classification: Uncertain significance for Combined immunodeficiency due to DOCK8 deficiency. Last evaluated: 2021-10-19. Review status: criteria provided, single submitter. Criteria: Invitae Variant Classification Sherloc (09022015). Collection method: clinical testing. Allele origin: germline.
Comment: In summary, the available evidence is currently insufficient to determine the role of this variant in disease. Therefore, it has been classified as a Variant of Uncertain Significance. Algorithms developed to predict the effect of missense changes on protein structure and function (SIFT, PolyPhen-2, Align-GVGD) all suggest that this variant is likely to be tolerated. This variant has not been reported in the literature in individuals affected with DOCK8-related conditions. This variant is present in population databases (rs745498345, ExAC 0.009%). This sequence change replaces serine with cysteine at codon 442 of the DOCK8 protein (p.Ser442Cys). The serine residue is moderately conserved and there is a moderate physicochemical difference between serine and cysteine.

NM_203447.4(DOCK8):c.1325C>G (p.Ser442Cys)

Gene: DOCK8 (dedicator of cytokinesis 8; plus strand). Cytogenetic location: 9p24.3.
Variant type: single nucleotide variant.
Coding change: c.1325C>G on transcript NM_203447.4 (MANE Select); coding-DNA position 1325, C replaced by G.
Protein change: p.Ser442Cys; replaces serine 442 with cysteine.
Molecular consequence: missense variant.
Genome position (GRCh38, 1-based): chr9:336,621, C>G. VCF-style: chr9-336621-C-G. GRCh37 (hg19) VCF-style: chr9-336621-C-G.
Other names: c.1121C>G, p.Ser374Cys (NM_001190458.2, NM_001193536.2); short protein forms S374C, S442C.
Identifiers: ClinVar variation 1489590 (VCV001489590.6), dbSNP rs745498345, ClinGen allele CA4957695.